The following is an entry in ClinVar:

ClinVar aggregate classification (germline): Likely benign. Review status: criteria provided, multiple submitters, no conflicts (2 of 4 stars). 3 submissions from 3 submitters: Likely benign (3). Last evaluated 2026-05-11.

Conditions:
Neurofibromatosis, type 1 (NF1). Also called: VON RECKLINGHAUSEN DISEASE; NEUROFIBROMATOSIS, TYPE I, SOMATIC; Neurofibromatosis, type I; Peripheral type neurofibromatosis. Identifiers: Orphanet 636, MedGen C0027831, MONDO:0018975, OMIM 162200. Disease mechanism: loss of function.

Allele frequency attached by ClinVar (database versions not stated): TOPMed below 0.00001; gnomAD exomes below 0.00001.
gnomAD v4.1: 1 of 1,567,994 alleles (0.000064%); highest among the groups gnomAD compares: Admixed American, 0.0017%; no homozygotes.

Submissions (3):

Myriad Genetics, Inc.
Classification: Likely benign for Neurofibromatosis, type 1. Last evaluated: 2026-05-11. Review status: criteria provided, single submitter. Criteria: Myriad Autosomal Dominant, Autosomal Recessive and X-Linked Classification Criteria (2023). Collection method: clinical testing. Allele origin: unknown.
Comment: This variant is considered likely benign. This variant is intronic and is not expected to impact mRNA splicing.

Labcorp Genetics (formerly Invitae), Labcorp
Classification: Likely benign for Neurofibromatosis, type 1. Last evaluated: 2025-07-24. Review status: criteria provided, single submitter. Criteria: Invitae Variant Classification Sherloc (09022015). Collection method: clinical testing. Allele origin: germline.

GeneDx
Classification: Likely benign. Last evaluated: 2016-08-22. Review status: criteria provided, single submitter. Criteria: GeneDx Variant Classification (06012015). Collection method: clinical testing. Allele origin: germline. Affected: yes.
Comment: This variant is considered likely benign or benign based on one or more of the following criteria: it is a conservative change, it occurs at a poorly conserved position in the protein, it is predicted to be benign by multiple in silico algorithms, and/or has population frequency not consistent with disease.

NM_001042492.3(NF1):c.1393-20T>C

Gene: NF1 (neurofibromin 1; plus strand). Cytogenetic location: 17q11.2.
Variant type: single nucleotide variant.
Coding change: c.1393-20T>C on transcript NM_001042492.3 (MANE Select); 20 bases into the intron before coding-DNA position 1393, T replaced by C.
Molecular consequence: intron variant.
Genome position (GRCh38, 1-based): chr17:31,214,431, T>C. VCF-style: chr17-31214431-T-C. GRCh37 (hg19) VCF-style: chr17-29541449-T-C.
Other names: c.1393-20T>C (NM_000267.4, NM_001128147.3).
Identifiers: ClinVar variation 388802 (VCV000388802.6), dbSNP rs1057523234, ClinGen allele CA16607195.